The following is an entry in ClinVar:

ClinVar aggregate classification (germline): Uncertain significance. Review status: criteria provided, single submitter (1 of 4 stars). 2 submissions from 2 submitters: Uncertain significance (1). 1 of the submissions does not count toward it. Last evaluated 2024-03-16.

Conditions:
KIDINS220-related disorder. Also called: KIDINS220-related condition.

Allele frequency attached by ClinVar (database versions not stated): gnomAD 0.00003; gnomAD exomes 0.00003; TOPMed 0.00005; ExAC 0.00008.
gnomAD v4.1: 52 of 1,614,046 alleles (0.0032%); highest among the groups gnomAD compares: Non-Finnish European, 0.00051%; no homozygotes.

Submissions (2):

Labcorp Genetics (formerly Invitae), Labcorp
Classification: Uncertain significance. Last evaluated: 2024-03-16. Review status: criteria provided, single submitter. Criteria: Invitae Variant Classification Sherloc (09022015). Collection method: clinical testing. Allele origin: germline.
Comment: This sequence change replaces isoleucine, which is neutral and non-polar, with valine, which is neutral and non-polar, at codon 1179 of the KIDINS220 protein (p.Ile1179Val). This variant is present in population databases (rs755042243, gnomAD 0.2%). This variant has not been reported in the literature in individuals affected with KIDINS220-related conditions. Experimental studies and prediction algorithms are not available or were not evaluated, and the functional significance of this variant is currently unknown. In summary, the available evidence is currently insufficient to determine the role of this variant in disease. Therefore, it has been classified as a Variant of Uncertain Significance.

PreventionGenetics, part of Exact Sciences
Classification: Likely benign for KIDINS220-related condition. Last evaluated: 2023-12-21. Review status: no assertion criteria provided. Collection method: clinical testing. Allele origin: germline. Not counted in ClinVar's aggregate classification.
Comment: This variant is classified as likely benign based on ACMG/AMP sequence variant interpretation guidelines (Richards et al. 2015 PMID: 25741868, with internal and published modifications).

NM_020738.4(KIDINS220):c.3535A>G (p.Ile1179Val)

Gene: KIDINS220 (kinase D interacting substrate 220; minus strand). Cytogenetic location: 2p25.1.
Variant type: single nucleotide variant.
Coding change: c.3535A>G on transcript NM_020738.4 (MANE Select); coding-DNA position 3535, A replaced by G.
Protein change: p.Ile1179Val; replaces isoleucine 1179 with valine.
Molecular consequence: missense variant. On other transcripts: intron variant (11), non-coding transcript variant (1).
Genome position (GRCh38, 1-based): chr2:8,747,195, T>C on the plus strand (A>G on the coding strand, the complement: KIDINS220 is on the minus strand). VCF-style: chr2-8747195-T-C. GRCh37 (hg19) VCF-style: chr2-8887325-T-C.
Other names: c.3414+2917A>G (NM_001348741.2, NM_001348742.2, NM_001348743.2 and 1 more transcripts); c.3528+692A>G (NM_001348738.2, NM_001348732.2); c.3417+2917A>G (NM_001348739.2, NM_001348740.2, NM_001348734.2); c.3531+692A>G (NM_001348731.2); c.3288+2917A>G (NM_001348736.2); c.3538A>G, p.Ile1180Val (NM_001348729.2); c.3535A>G (NM_020738.2); short protein forms I1179V, I1180V.
Identifiers: ClinVar variation 2890047 (VCV002890047.4), dbSNP rs755042243, ClinGen allele CA1519604.